The following is an entry in ClinVar:

NM_005219.5(DIAPH1):c.*1304A>G

Gene: DIAPH1 (diaphanous related formin 1; minus strand). Cytogenetic location: 5q31.3.
Variant type: single nucleotide variant.
Coding change: c.*1304A>G on transcript NM_005219.5 (MANE Select); 1304 bases downstream of the stop codon, A replaced by G.
Molecular consequence: 3 prime UTR variant.
Genome position (GRCh38, 1-based): chr5:141,515,547, T>C on the plus strand (A>G on the coding strand, the complement: DIAPH1 is on the minus strand). VCF-style: chr5-141515547-T-C. GRCh37 (hg19) VCF-style: chr5-140895114-T-C.
Other names: c.*1304A>G (NM_001079812.3); c.*1423A>G (NM_001314007.2).
Identifiers: ClinVar variation 351268 (VCV000351268.5), dbSNP rs112580910, ClinGen allele CA10620359.

ClinVar aggregate classification (germline): Benign (1 of 4 stars; one submission).

Conditions:
Autosomal dominant nonsyndromic hearing loss 1. Also called: KONIGSMARK SYNDROME; DEAFNESS, AUTOSOMAL DOMINANT 1, WITH OR WITHOUT THROMBOCYTOPENIA. Identifiers: Orphanet 90635, MedGen C1852282, MONDO:0007424, OMIM 124900.

Allele frequency attached by ClinVar (database versions not stated): gnomAD 0.01086 and 0.01163; 1000 Genomes Project 0.01238; TOPMed 0.01243; 1000 Genomes Project 30x 0.01390.

Submission:

Illumina Laboratory Services, Illumina
Classification: Benign for Autosomal dominant nonsyndromic hearing loss 1. Last evaluated: 2018-01-12. Review status: criteria provided, single submitter. Criteria: ICSL Variant Classification Criteria 13 December 2019. Collection method: clinical testing. Allele origin: germline.
Comment: This variant was observed in the ICSL laboratory as part of a predisposition screen in an ostensibly healthy population. It had not been previously curated by ICSL or reported in the Human Gene Mutation Database (HGMD: prior to June 1st, 2018), and was therefore a candidate for classification through an automated scoring system. Utilizing variant allele frequency, disease prevalence and penetrance estimates, and inheritance mode, an automated score was calculated to assess if this variant is too frequent to cause the disease. Based on the score and internal cut-off values, a variant classified as benign is not then subjected to further curation. The score for this variant resulted in a classification of benign for this disease.